The following is an entry in ClinVar:

NM_000552.5(VWF):c.1855C>A (p.Arg619Ser)

Gene: VWF (von Willebrand factor; minus strand). Cytogenetic location: 12p13.31.
Variant type: single nucleotide variant.
Coding change: c.1855C>A on transcript NM_000552.5 (MANE Select); coding-DNA position 1855, C replaced by A.
Protein change: p.Arg619Ser; replaces arginine 619 with serine.
Molecular consequence: missense variant.
Genome position (GRCh38, 1-based): chr12:6,056,947, G>T on the plus strand (C>A on the coding strand, the complement: VWF is on the minus strand). VCF-style: chr12-6056947-G-T. GRCh37 (hg19) VCF-style: chr12-6166113-G-T.
Other names: short protein forms R619S.
Identifiers: ClinVar variation 3252159 (VCV003252159.1), dbSNP rs922706729.

ClinVar aggregate classification (germline): Uncertain significance (1 of 4 stars; one submission).

Submission:

GeneDx
Classification: Uncertain significance. Last evaluated: 2023-06-05. Review status: criteria provided, single submitter. Criteria: GeneDx Variant Classification Process June 2021. Collection method: clinical testing. Allele origin: germline. Affected: yes.
Comment: Not observed at significant frequency in large population cohorts (gnomAD); In silico analysis supports that this missense variant does not alter protein structure/function; Has not been previously published as pathogenic or benign to our knowledge